The following is an entry in ClinVar:

NM_006493.4(CLN5):c.129G>A (p.Arg43=)

Genes: CLN5 (CLN5 lysosomal BMP synthase; plus strand), LOC130009913 (ATAC-STARR-seq lymphoblastoid silent region 5414; plus strand). Cytogenetic location: 13q22.3.
Variant type: single nucleotide variant.
Coding change: c.129G>A on transcript NM_006493.4 (MANE Select); coding-DNA position 129, G replaced by A.
Protein change: p.Arg43=; no amino-acid change (arginine 43 retained).
Molecular consequence: synonymous variant.
Genome position (GRCh38, 1-based): chr13:76,992,227, G>A. VCF-style: chr13-76992227-G-A. GRCh37 (hg19) VCF-style: chr13-77566362-G-A.
Other names: c.276G>A (LRG_692t1); c.129G>A, p.Arg43= (NM_001366624.2).
Identifiers: ClinVar variation 508786 (VCV000508786.11), dbSNP rs746845935, ClinGen allele CA7007128.

ClinVar aggregate classification (germline): Likely benign. Review status: criteria provided, multiple submitters, no conflicts (2 of 4 stars). 3 submissions from 3 submitters: Likely benign (3). Last evaluated 2025-09-30.

Conditions:
Inborn genetic diseases. Identifiers: MedGen C0950123, MeSH D030342.
Neuronal ceroid lipofuscinosis. Also called: Neuronal Ceroid Lipofuscinoses. Identifiers: Orphanet 216, Orphanet 79263, MedGen C0027877, MONDO:0016295. Disease mechanism: loss of function.

Allele frequency attached by ClinVar (database versions not stated): gnomAD exomes 0.00001; TOPMed 0.00001; ExAC 0.00003.
gnomAD v4.1: 8 of 1,596,708 alleles (0.0005%); highest among the groups gnomAD compares: Admixed American, 0.0034%; no homozygotes.

Submissions (3):

Labcorp Genetics (formerly Invitae), Labcorp
Classification: Likely benign for Neuronal ceroid lipofuscinosis. Last evaluated: 2025-09-30. Review status: criteria provided, single submitter. Criteria: Invitae Variant Classification Sherloc (09022015). Collection method: clinical testing. Allele origin: germline.

Ambry Genetics
Classification: Likely benign for Inborn genetic diseases. Last evaluated: 2018-01-22. Review status: criteria provided, single submitter. Criteria: Ambry Variant Classification Scheme 2023. Collection method: clinical testing. Allele origin: germline.

GeneDx
Classification: Likely benign. Last evaluated: 2017-04-11. Review status: criteria provided, single submitter. Criteria: GeneDx Variant Classification (06012015). Collection method: clinical testing. Allele origin: germline. Affected: yes.
Comment: This variant is considered likely benign or benign based on one or more of the following criteria: it is a conservative change, it occurs at a poorly conserved position in the protein, it is predicted to be benign by multiple in silico algorithms, and/or has population frequency not consistent with disease.